The following is an entry in ClinVar:

ClinVar aggregate classification (germline): Uncertain significance (1 of 4 stars; one submission).

gnomAD v4.1: 2 of 1,614,154 alleles (0.00012%); highest among the groups gnomAD compares: Non-Finnish European, 0.00017%; no homozygotes.

Submission:

GeneDx
Classification: Uncertain significance. Last evaluated: 2026-01-27. Review status: criteria provided, single submitter. Criteria: GeneDx Variant Classification Process June 2021. Collection method: clinical testing. Allele origin: germline.
Comment: Not observed at significant frequency in large population cohorts (gnomAD); In silico analysis supports that this missense variant has a deleterious effect on protein structure/function; Has not been previously published as pathogenic or benign to our knowledge

NM_015057.5(MYCBP2):c.5531A>G (p.Asp1844Gly)

Gene: MYCBP2 (MYC binding protein 2; minus strand). Cytogenetic location: 13q22.3.
Variant type: single nucleotide variant.
Coding change: c.5531A>G on transcript NM_015057.5 (MANE Select); coding-DNA position 5531, A replaced by G.
Protein change: p.Asp1844Gly; replaces aspartic acid 1844 with glycine.
Molecular consequence: missense variant.
Genome position (GRCh38, 1-based): chr13:77,174,431, T>C on the plus strand (A>G on the coding strand, the complement: MYCBP2 is on the minus strand). VCF-style: chr13-77174431-T-C. GRCh37 (hg19) VCF-style: chr13-77748566-T-C.
Other names: short protein forms D1844G.
Identifiers: ClinVar variation 4975785 (VCV004975785.1).